The following is an entry in ClinVar:

ClinVar aggregate classification (germline): Uncertain significance. Review status: criteria provided, multiple submitters, no conflicts (2 of 4 stars). 2 submissions from 2 submitters: Uncertain significance (2). Last evaluated 2024-01-15.

Conditions:
Hemolytic anemia due to pyrimidine 5' nucleotidase deficiency (CNSHA8). Also called: HEMOLYTIC ANEMIA DUE TO P5N DEFICIENCY; HEMOLYTIC ANEMIA DUE TO UMPH1 DEFICIENCY; P5N DEFICIENCY; PYRIMIDINE 5-PRIME NUCLEOTIDASE DEFICIENCY, HEMOLYTIC ANEMIA DUE TO; UMPH1 DEFICIENCY. Identifiers: Orphanet 35120, MedGen C1849507, MONDO:0009946, OMIM 266120.

Allele frequency attached by ClinVar (database versions not stated): ExAC 0.00004; 1000 Genomes Project 30x 0.00016; TOPMed 0.00002; gnomAD 0.00003; 1000 Genomes Project 0.00020; gnomAD exomes 0.00004 and 0.00009.
gnomAD v4.1: 135 of 1,610,186 alleles (0.0084%); highest among the groups gnomAD compares: Non-Finnish European, 0.01%; no homozygotes.

Submissions (2):

Revvity Omics, Revvity
Classification: Uncertain significance for Hemolytic anemia due to pyrimidine 5' nucleotidase deficiency. Last evaluated: 2024-01-15. Review status: criteria provided, single submitter. Criteria: ACMG Guidelines, 2015. Collection method: clinical testing. Allele origin: germline.

Labcorp Genetics (formerly Invitae), Labcorp
Classification: Uncertain significance. Last evaluated: 2022-08-16. Review status: criteria provided, single submitter. Criteria: Invitae Variant Classification Sherloc (09022015). Collection method: clinical testing. Allele origin: germline.
Comment: This sequence change replaces asparagine, which is neutral and polar, with serine, which is neutral and polar, at codon 225 of the NT5C3A protein (p.Asn225Ser). This variant is present in population databases (rs142248153, gnomAD 0.01%). This variant has not been reported in the literature in individuals affected with NT5C3A-related conditions. ClinVar contains an entry for this variant (Variation ID: 1500103). Algorithms developed to predict the effect of missense changes on protein structure and function output the following: SIFT: "Tolerated"; PolyPhen-2: "Benign"; Align-GVGD: "Class C0". The serine amino acid residue is found in multiple mammalian species, which suggests that this missense change does not adversely affect protein function. In summary, the available evidence is currently insufficient to determine the role of this variant in disease. Therefore, it has been classified as a Variant of Uncertain Significance.

NM_001002010.5(NT5C3A):c.776A>G (p.Asn259Ser)

Gene: NT5C3A (5'-nucleotidase, cytosolic IIIA; minus strand). Cytogenetic location: 7p14.3.
Variant type: single nucleotide variant.
Coding change: c.776A>G on transcript NM_001002010.5 (MANE Select); coding-DNA position 776, A replaced by G.
Protein change: p.Asn259Ser; replaces asparagine 259 with serine.
Molecular consequence: missense variant. On other transcripts: intron variant (1).
Genome position (GRCh38, 1-based): chr7:33,015,788, T>C on the plus strand (A>G on the coding strand, the complement: NT5C3A is on the minus strand). VCF-style: chr7-33015788-T-C. GRCh37 (hg19) VCF-style: chr7-33055400-T-C.
Other names: c.674A>G, p.Asn225Ser (NM_001002009.3, NM_016489.14); c.638A>G, p.Asn213Ser (NM_001166118.3, NM_001356996.3, NM_001374336.1 and 1 more transcripts); c.677A>G, p.Asn226Ser (NM_001374335.1); c.575A>G, p.Asn192Ser (NM_001374339.1); c.694-957A>G (NM_001374338.1); c.674A>G (NM_016489.13); short protein forms N225S, N226S, N192S, N213S, N259S.
Identifiers: ClinVar variation 1500103 (VCV001500103.6), dbSNP rs142248153, ClinGen allele CA4213313.